The following is an entry in ClinVar:

NM_002439.5(MSH3):c.547T>C (p.Ser183Pro)

Gene: MSH3 (mutS homolog 3; plus strand). Cytogenetic location: 5q14.1.
Variant type: single nucleotide variant.
Coding change: c.547T>C on transcript NM_002439.5 (MANE Select); coding-DNA position 547, T replaced by C.
Protein change: p.Ser183Pro; replaces serine 183 with proline.
Molecular consequence: missense variant.
Genome position (GRCh38, 1-based): chr5:80,665,331, T>C. VCF-style: chr5-80665331-T-C. GRCh37 (hg19) VCF-style: chr5-79961150-T-C.
Other names: short protein forms S183P.
Identifiers: ClinVar variation 825763 (VCV000825763.4), dbSNP rs1580546779, ClinGen allele CA360264452.

ClinVar aggregate classification (germline): Uncertain significance (1 of 4 stars; one submission).

Conditions:
Hereditary cancer-predisposing syndrome. Also called: Neoplastic Syndromes, Hereditary; Tumor predisposition; Hereditary neoplastic syndrome; Hereditary Cancer Syndrome. Identifiers: Orphanet 140162, MedGen C0027672, MeSH D009386, MONDO:0015356.

Submission:

Ambry Genetics
Classification: Uncertain significance for Hereditary cancer-predisposing syndrome. Last evaluated: 2019-02-22. Review status: criteria provided, single submitter. Criteria: Ambry Variant Classification Scheme 2023. Collection method: clinical testing. Allele origin: germline.
Comment: The p.S183P variant (also known as c.547T>C), located in coding exon 3 of the MSH3 gene, results from a T to C substitution at nucleotide position 547. The serine at codon 183 is replaced by proline, an amino acid with similar properties. This amino acid position is highly conserved in available vertebrate species. In addition, the in silico prediction for this alteration is inconclusive. Since supporting evidence is limited at this time, the clinical significance of this alteration remains unclear.